The following is an entry in ClinVar:

NM_004656.4(BAP1):c.592del (p.Glu198fs)

Gene: BAP1 (BRCA1 associated deubiquitinase 1; minus strand). Cytogenetic location: 3p21.1.
Variant type: Deletion.
Coding change: c.592del on transcript NM_004656.4 (MANE Select); coding-DNA position 592, one base deleted (G; older notation c.592delG).
Protein change: p.Glu198fs; shifts the reading frame from glutamic acid 198.
Molecular consequence: frameshift variant.
Genome position (GRCh38, 1-based): chr3:52,406,896, C deleted on the plus strand (G on the coding strand, the reverse complement: BAP1 is on the minus strand); the first of 6 consecutive C bases (chr3:52,406,896-52,406,901); deleting any one gives the same sequence. VCF-style (leftmost placement, unchanged base first): chr3-52406895-TC-T. GRCh37 (hg19) VCF-style: chr3-52440911-TC-T.
Other names: c.592delG (NM_004656.4); short protein forms E198fs.
Identifiers: ClinVar variation 927768 (VCV000927768.8), dbSNP rs1205668341, ClinGen allele CA542899401.
Genomic context (GRCh38, chr3:52,406,895, plus strand): 5'-GTGGCGAGGCCGATACGCTCCATGATGACCCGCCGGGCCTTGTCTGTCCACTCCTCGTCC[TC>T]CCCCCAGGGCCCTAGTGGAGACCAAGACAAGGAATCAGCGAGAAGGAAACCCTGAGTTTG-3'

ClinVar aggregate classification (germline): Pathogenic/Likely pathogenic. Review status: criteria provided, multiple submitters, no conflicts (2 of 4 stars). 3 submissions from 3 submitters: Pathogenic (2); Likely pathogenic (1). Last evaluated 2025-05-22.
ClinVar aggregate classification (oncogenicity): Likely oncogenic (1 of 4 stars; one submission).

Conditions:
Hereditary cancer-predisposing syndrome. Also called: Neoplastic Syndromes, Hereditary; Hereditary Cancer Syndrome; Tumor predisposition; Hereditary neoplastic syndrome. Identifiers: Orphanet 140162, MedGen C0027672, MeSH D009386, MONDO:0015356.
BAP1-related tumor predisposition syndrome (TPDS1). Also called: COMMON Syndrome; TUMOR PREDISPOSITION SYNDROME 1; Tumor susceptibility linked to germline BAP1 mutations; BAP1 tumor predisposition syndrome. Identifiers: Orphanet 289539, MedGen C3280492, MONDO:0013692, OMIM 614327.
Neoplasm. Also called: tumor; Neoplasms; Neoplasm (disease). Identifiers: MedGen C0027651, MeSH D009369, MONDO:0005070, HP:0002664.

Submissions (4):

Center for Genomic Medicine, Rigshospitalet, Copenhagen University Hospital
Classification: Likely oncogenic for Neoplasm. Last evaluated: 2025-12-29. Review status: criteria provided, single submitter. Criteria: ClinGen/CGC/VICC Guidelines for Oncogenicity, 2022. Collection method: clinical testing. Allele origin: somatic. Affected: yes.

Labcorp Genetics (formerly Invitae), Labcorp
Classification: Pathogenic for BAP1-related tumor predisposition syndrome. Last evaluated: 2025-05-22. Review status: criteria provided, single submitter. Criteria: Invitae Variant Classification Sherloc (09022015). Collection method: clinical testing. Allele origin: germline.
Comment: This sequence change creates a premature translational stop signal (p.Glu198Argfs*33) in the BAP1 gene. It is expected to result in an absent or disrupted protein product. Loss-of-function variants in BAP1 are known to be pathogenic (PMID: 21874000, 23684012). The frequency data for this variant in the population databases is considered unreliable, as metrics indicate poor data quality at this position in the gnomAD database. This variant has not been reported in the literature in individuals affected with BAP1-related conditions. ClinVar contains an entry for this variant (Variation ID: 927768). For these reasons, this variant has been classified as Pathogenic.

Baylor Genetics
Classification: Likely pathogenic for BAP1-related tumor predisposition syndrome. Last evaluated: 2023-08-18. Review status: criteria provided, single submitter. Criteria: ACMG Guidelines, 2015. Collection method: clinical testing. Allele origin: unknown.

Color Diagnostics, LLC DBA Color Health
Classification: Pathogenic for Hereditary cancer-predisposing syndrome. Last evaluated: 2019-07-16. Review status: criteria provided, single submitter. Criteria: ACMG Guidelines, 2015. Collection method: clinical testing. Allele origin: germline.
Comment: This variant deletes one nucleotide in exon 8 of the BAP1 gene, creating a frameshift and premature translation stop signal. This variant is expected to result in an absent or non-functional protein product. Computational splicing tools suggest that this variant may not impact RNA splicing. To our knowledge, functional assays have not been performed for this variant nor has this variant been reported in individuals affected with hereditary cancer in the literature. This variant has not been identified in the general population by the Genome Aggregation Database (gnomAD). Loss of BAP1 function is a known mechanism of disease. Based on available evidence, this variant is classified as Pathogenic.

Literature cited by the submitters: PubMed 33240524 (cited by Center for Genomic Medicine, Rigshospitalet, Copenhagen University Hospital); PubMed 21874000 (cited by Labcorp Genetics (formerly Invitae), Labcorp); PubMed 23684012 (cited by Labcorp Genetics (formerly Invitae), Labcorp).